The following is an entry in ClinVar:

NM_001166108.2(PALLD):c.1965-12967C>A

Gene: PALLD (palladin, cytoskeletal associated protein; plus strand). Cytogenetic location: 4q32.3.
Variant type: single nucleotide variant.
Coding change: c.1965-12967C>A on transcript NM_001166108.2 (MANE Select); 12967 bases into the intron before coding-DNA position 1965, C replaced by A.
Molecular consequence: intron variant. On other transcripts: missense variant (1).
Genome position (GRCh38, 1-based): chr4:168,877,955, C>A. VCF-style: chr4-168877955-C-A. GRCh37 (hg19) VCF-style: chr4-169799106-C-A.
Other names: c.64C>A, p.Arg22Ser (NM_001166110.2); c.1965-12967C>A (NM_016081.4); c.819-12967C>A (NM_001166109.2); c.-157-12967C>A (NM_001367570.1, NM_001367568.1, NM_001367567.1 and 1 more transcripts); short protein forms R22S.
Identifiers: ClinVar variation 4564188 (VCV004564188.1).

ClinVar aggregate classification (germline): Uncertain significance (1 of 4 stars; one submission).

Submission:

Ambry Genetics
Classification: Uncertain significance. Last evaluated: 2025-11-23. Review status: criteria provided, single submitter. Criteria: Ambry Variant Classification Scheme 2023. Collection method: clinical testing. Allele origin: germline.
Comment: The p.R22S variant (also known as c.64C>A), located in coding exon 1 of the PALLD gene, results from a C to A substitution at nucleotide position 64. The arginine at codon 22 is replaced by serine, an amino acid with dissimilar properties. This amino acid position is conserved. In addition, this alteration is predicted to be deleterious by in silico analysis. Based on the available evidence, the clinical significance of this variant remains unclear.